The following is an entry in ClinVar:

ClinVar aggregate classification (germline): Uncertain significance. Review status: criteria provided, multiple submitters, no conflicts (2 of 4 stars). 2 submissions from 2 submitters: Uncertain significance (2). Last evaluated 2024-01-02.

Conditions:
Autosomal recessive nonsyndromic hearing loss 66 (DFNB66). Also called: Deafness, autosomal recessive 66. Identifiers: Orphanet 90636, MedGen C1857750, MONDO:0012442, OMIM 610212.
Isolated neonatal sclerosing cholangitis (NSC). Also called: Sclerosing cholangitis, neonatal. Identifiers: Orphanet 480556, MedGen C4479344, MONDO:0018816, OMIM 617394.
Nephronophthisis 19 (NPHP19). Identifiers: Orphanet 84081, MedGen C4015542, MONDO:0014537, OMIM 616217.

Allele frequency attached by ClinVar (database versions not stated): TOPMed below 0.00001; gnomAD 0.00001; ExAC 0.00002; gnomAD exomes 0.00002.

Submissions (2):

Fulgent Genetics
Classification: Uncertain significance for Autosomal recessive nonsyndromic hearing loss 66; Nephronophthisis 19; Isolated neonatal sclerosing cholangitis. Last evaluated: 2024-01-02. Review status: criteria provided, single submitter. Criteria: ACMG Guidelines, 2015. Collection method: clinical testing. Allele origin: germline.

Labcorp Genetics (formerly Invitae), Labcorp
Classification: Uncertain significance for Autosomal recessive nonsyndromic hearing loss 66; Isolated neonatal sclerosing cholangitis. Last evaluated: 2022-01-17. Review status: criteria provided, single submitter. Criteria: Invitae Variant Classification Sherloc (09022015). Collection method: clinical testing. Allele origin: germline.
Comment: In summary, the available evidence is currently insufficient to determine the role of this variant in disease. Therefore, it has been classified as a Variant of Uncertain Significance. Algorithms developed to predict the effect of missense changes on protein structure and function output the following: SIFT: "Tolerated"; PolyPhen-2: "Benign"; Align-GVGD: "Class C0". The glutamic acid amino acid residue is found in multiple mammalian species, which suggests that this missense change does not adversely affect protein function. This variant has not been reported in the literature in individuals affected with DCDC2-related conditions. This variant is present in population databases (rs747652700, gnomAD 0.003%). This sequence change replaces aspartic acid, which is acidic and polar, with glutamic acid, which is acidic and polar, at codon 352 of the DCDC2 protein (p.Asp352Glu).

NM_016356.5(DCDC2):c.1056T>G (p.Asp352Glu)

Gene: DCDC2 (doublecortin domain containing 2; minus strand). Cytogenetic location: 6p22.3.
Variant type: single nucleotide variant.
Coding change: c.1056T>G on transcript NM_016356.5 (MANE Select); coding-DNA position 1056, T replaced by G.
Protein change: p.Asp352Glu; replaces aspartic acid 352 with glutamic acid.
Molecular consequence: missense variant.
Genome position (GRCh38, 1-based): chr6:24,178,600, A>C on the plus strand (T>G on the coding strand, the complement: DCDC2 is on the minus strand). VCF-style: chr6-24178600-A-C. GRCh37 (hg19) VCF-style: chr6-24178828-A-C.
Other names: c.1056T>G, p.Asp352Glu (NM_001195610.2); short protein forms D352E.
Identifiers: ClinVar variation 2187708 (VCV002187708.5), dbSNP rs747652700, ClinGen allele CA3654518.